The following is an entry in ClinVar:

ClinVar aggregate classification (germline): Uncertain significance. Review status: criteria provided, multiple submitters, no conflicts (2 of 4 stars). 2 submissions from 2 submitters: Uncertain significance (2). Last evaluated 2025-03-03.

Allele frequency attached by ClinVar (database versions not stated): ExAC 0.00001; TOPMed 0.00001; gnomAD 0.00002; gnomAD exomes 0.00002; 1000 Genomes Project 30x 0.00016; 1000 Genomes Project 0.00020.
gnomAD v4.1: 14 of 1,613,000 alleles (0.00087%); highest among the groups gnomAD compares: Admixed American, 0.018%; no homozygotes.

Submissions (2):

Ambry Genetics
Classification: Uncertain significance. Last evaluated: 2025-03-03. Review status: criteria provided, single submitter. Criteria: Ambry Variant Classification Scheme 2023. Collection method: clinical testing. Allele origin: germline.

Labcorp Genetics (formerly Invitae), Labcorp
Classification: Uncertain significance. Last evaluated: 2024-11-06. Review status: criteria provided, single submitter. Criteria: Invitae Variant Classification Sherloc (09022015). Collection method: clinical testing. Allele origin: germline.
Comment: This sequence change replaces serine, which is neutral and polar, with glycine, which is neutral and non-polar, at codon 82 of the SLCO5A1 protein (p.Ser82Gly). This variant is present in population databases (rs570201303, gnomAD 0.006%). This variant has not been reported in the literature in individuals affected with SLCO5A1-related conditions. ClinVar contains an entry for this variant (Variation ID: 2290454). An algorithm developed to predict the effect of missense changes on protein structure and function (PolyPhen-2) suggests that this variant is likely to be tolerated. In summary, the available evidence is currently insufficient to determine the role of this variant in disease. Therefore, it has been classified as a Variant of Uncertain Significance.

NM_030958.3(SLCO5A1):c.244A>G (p.Ser82Gly)

Gene: SLCO5A1 (solute carrier organic anion transporter family member 5A1; minus strand). Cytogenetic location: 8q13.3.
Variant type: single nucleotide variant.
Coding change: c.244A>G on transcript NM_030958.3 (MANE Select); coding-DNA position 244, A replaced by G.
Protein change: p.Ser82Gly; replaces serine 82 with glycine.
Molecular consequence: missense variant.
Genome position (GRCh38, 1-based): chr8:69,832,430, T>C on the plus strand (A>G on the coding strand, the complement: SLCO5A1 is on the minus strand). VCF-style: chr8-69832430-T-C. GRCh37 (hg19) VCF-style: chr8-70744665-T-C.
Other names: c.244A>G, p.Ser82Gly (NM_001146008.2, NM_001146009.1); short protein forms S82G.
Identifiers: ClinVar variation 2290454 (VCV002290454.6), dbSNP rs570201303, ClinGen allele CA4776848.